The following is an entry in ClinVar:

ClinVar aggregate classification (germline): Uncertain significance (1 of 4 stars; one submission).

Conditions:
Hereditary cancer-predisposing syndrome. Also called: Neoplastic Syndromes, Hereditary; Tumor predisposition; Hereditary neoplastic syndrome; Hereditary Cancer Syndrome. Identifiers: Orphanet 140162, MedGen C0027672, MeSH D009386, MONDO:0015356.

Submission:

Ambry Genetics
Classification: Uncertain significance for Hereditary cancer-predisposing syndrome. Last evaluated: 2026-07-06. Review status: criteria provided, single submitter. Criteria: Ambry Variant Classification Scheme 2023. Collection method: clinical testing. Allele origin: germline.
Comment: The p.E247A variant (also known as c.740A>C), located in coding exon 6 of the CDH1 gene, results from an A to C substitution at nucleotide position 740. The glutamic acid at codon 247 is replaced by alanine, an amino acid with dissimilar properties. This amino acid position is conserved. In addition, the in silico prediction for this alteration is inconclusive. Based on the available evidence, the clinical significance of this variant remains unclear.

NM_004360.5(CDH1):c.740A>C (p.Glu247Ala)

Gene: CDH1 (cadherin 1; plus strand). Cytogenetic location: 16q22.1.
Variant type: single nucleotide variant.
Coding change: c.740A>C on transcript NM_004360.5 (MANE Select); coding-DNA position 740, A replaced by C.
Protein change: p.Glu247Ala; replaces glutamic acid 247 with alanine.
Molecular consequence: missense variant. On other transcripts: 5 prime UTR variant (2).
Genome position (GRCh38, 1-based): chr16:68,810,249, A>C. VCF-style: chr16-68810249-A-C. GRCh37 (hg19) VCF-style: chr16-68844152-A-C.
Other names: c.740A>C, p.Glu247Ala (NM_001317184.2); c.-876A>C (NM_001317185.2); c.-1080A>C (NM_001317186.2); short protein forms E247A.
Identifiers: ClinVar variation 5033947 (VCV005033947.1).